The following is an entry in ClinVar:

ClinVar aggregate classification (germline): Uncertain significance (1 of 4 stars; one submission).

Submission:

Labcorp Genetics (formerly Invitae), Labcorp
Classification: Uncertain significance. Last evaluated: 2023-07-07. Review status: criteria provided, single submitter. Criteria: Invitae Variant Classification Sherloc (09022015). Collection method: clinical testing. Allele origin: germline.
Comment: In summary, the available evidence is currently insufficient to determine the role of this variant in disease. Therefore, it has been classified as a Variant of Uncertain Significance. Advanced modeling of protein sequence and biophysical properties (such as structural, functional, and spatial information, amino acid conservation, physicochemical variation, residue mobility, and thermodynamic stability) performed at Invitae indicates that this missense variant is expected to disrupt CFB protein function. ClinVar contains an entry for this variant (Variation ID: 2085023). This variant has not been reported in the literature in individuals affected with CFB-related conditions. This variant is not present in population databases (gnomAD no frequency). This sequence change replaces isoleucine, which is neutral and non-polar, with threonine, which is neutral and polar, at codon 385 of the CFB protein (p.Ile385Thr).

NM_001710.6(CFB):c.1154T>C (p.Ile385Thr)

Gene: CFB (complement factor B; plus strand). Cytogenetic location: 6p21.33.
Variant type: single nucleotide variant.
Coding change: c.1154T>C on transcript NM_001710.6 (MANE Select); coding-DNA position 1154, T replaced by C.
Protein change: p.Ile385Thr; replaces isoleucine 385 with threonine.
Molecular consequence: missense variant.
Genome position (GRCh38, 1-based): chr6:31,948,947, T>C. VCF-style: chr6-31948947-T-C. GRCh37 (hg19) VCF-style: chr6-31916724-T-C.
Other names: short protein forms I385T.
Identifiers: ClinVar variation 2085023 (VCV002085023.4), dbSNP rs2482692131, ClinGen allele CA363400897.